The following is an entry in ClinVar:

NM_000330.4(RS1):c.217T>C (p.Ser73Pro)

Genes: CDKL5 (cyclin dependent kinase like 5; plus strand), RS1 (retinoschisin 1; minus strand). Cytogenetic location: Xp22.13.
Variant type: single nucleotide variant.
Coding change: c.217T>C on transcript NM_000330.4 (MANE Select); coding-DNA position 217, T replaced by C.
Protein change: p.Ser73Pro; replaces serine 73 with proline.
Molecular consequence: missense variant. On other transcripts: intron variant (2).
Genome position (GRCh38, 1-based): chrX:18,647,300, A>G on the plus strand (T>C on the coding strand, the complement: RS1 is on the minus strand). VCF-style: chrX-18647300-A-G. GRCh37 (hg19) VCF-style: chrX-18665420-A-G.
Other names: NM_000330.4(RS1):c.217T>C; c.2797+1210A>G (NM_003159.3, NM_001037343.2); short protein forms S73P.
Identifiers: ClinVar variation 98917 (VCV000098917.4), dbSNP rs62645899, ClinGen allele CA226628.

ClinVar aggregate classification (germline): Likely pathogenic. Review status: reviewed by expert panel (3 of 4 stars). 2 submissions from 2 submitters: Likely pathogenic (1). 1 of the submissions does not count toward it. Last evaluated 2026-09-26.

Conditions:
Juvenile retinoschisis (RS1). Also called: X-Linked Juvenile Retinoschisis; X-linked retinoschisis. Identifiers: Orphanet 792, MedGen C3714753, MONDO:0010725, OMIM 312700.

Submissions (2):

ClinGen X-linked Inherited Retinal Disease Variant Curation Expert Panel, ClinGen
Classification: Likely pathogenic for Juvenile retinoschisis. Last evaluated: 2026-09-26. Review status: reviewed by expert panel. Criteria: ClinGen X LinkedIRD ACMG Specifications RS1 V1.0.0. Collection method: curation. Allele origin: germline. Inheritance: X-linked inheritance.
Comment: The NM_000330.4(RS1):c.217T>C (p.Ser73Pro) variant is a missense variant encoding the substitution of Serine and Proline at amino acid 73. This variant is absent from hemizygous individuals in gnomAD v4.1.0 (PM2_Supporting). The computational predictor REVEL gives a score of 0.925, which is within the ClinGen X-linked IRD VCEP range between 0.931 and 0.773 and predicts a damaging effect on RS1 function (PP3_moderate). The computational splicing predictor SpliceAI gives a delta score of 0.00 for all predictive splice changes, which is below the ClinGen X-linked IRD VCEP threshold of >0.2 and does not predict that the variant disrupts RS1 splicing. At least one proband harboring this variant exhibits the following phenotypes, including the appearance of schisis and reduced visual acuity before age 13 years, which together are specific for X-linked retinoschisis (PMID: 17615541, PP4). The variant has been reported to segregate with retinal dystrophy through >3 meioses in one family (PP1_Strong; PMID: 17615541). This variant has been reported in at least one proband meeting the PS4 requirements of a male diagnosed with XLRS (PMID: 15531314, PS4_Supporting). In summary, this variant is classified as likely pathogenic for X-linked retinoschisis based on the ClinGen X-linked Inherited Retinal Disease Expert Panel Specifications to the ACMG/AMP Variant Interpretation Guidelines for RS1 Version 1.0.0: PM2_Supporting, PP3_Moderate, PP4, PP1_Strong, and PS4_Supporting.

Retina International
No classification provided. Review status: no classification provided. Collection method: not provided. Allele origin: unknown. Not counted in ClinVar's aggregate classification.